The following is an entry in ClinVar:

ClinVar aggregate classification (germline): Pathogenic (1 of 4 stars; one submission).

Conditions:
Sulfite oxidase deficiency due to molybdenum cofactor deficiency type C. Also called: Molybdenum cofactor deficiency, complementation group C; Molybdenum cofactor deficiency C. Identifiers: Orphanet 308400, Orphanet 833, MedGen C1854990, MONDO:0014212, OMIM 615501.

Submission:

Labcorp Genetics (formerly Invitae), Labcorp
Classification: Pathogenic for Sulfite oxidase deficiency due to molybdenum cofactor deficiency type C. Last evaluated: 2025-11-11. Review status: criteria provided, single submitter. Criteria: Invitae Variant Classification Sherloc (09022015). Collection method: clinical testing. Allele origin: germline.
Comment: This sequence change creates a premature translational stop signal (p.Ser250Thrfs*108) in the GPHN gene. It is expected to result in an absent or disrupted protein product. Loss-of-function variants in GPHN are known to be pathogenic (PMID: 11095995, 23184456, 23393157, 24561070, 26613940). This variant is not present in population databases (gnomAD no frequency). This variant has not been reported in the literature in individuals affected with GPHN-related conditions. For these reasons, this variant has been classified as Pathogenic.

Literature cited by the submitters: PubMed 11095995; PubMed 23184456; PubMed 23393157; PubMed 24561070; PubMed 26613940.

NM_020806.5(GPHN):c.747_748dup (p.Ser250fs)

Gene: GPHN (gephyrin; plus strand). Cytogenetic location: 14q23.3.
Variant type: Duplication.
Coding change: c.747_748dup on transcript NM_020806.5 (MANE Select); coding-DNA positions 747 to 748, 2 bases duplicated (CA; older notation c.747_748dupCA).
Protein change: p.Ser250fs; shifts the reading frame from serine 250.
Molecular consequence: frameshift variant. On other transcripts: intron variant (7).
Genome position (GRCh38, 1-based): chr14:66,924,211-66,924,212, CA duplicated. VCF-style (leftmost placement, unchanged base first): chr14-66924210-C-CCA. GRCh37 (hg19) VCF-style: chr14-67390927-C-CCA.
Other names: c.768+1273_768+1274dup (NM_001377514.1, NM_001377519.1); c.729+1273_729+1274dup (NM_001377515.1, NM_001377516.1, NM_001377518.1 and 2 more transcripts); short protein forms S250fs.
Identifiers: ClinVar variation 4730914 (VCV004730914.1).